The following is an entry in ClinVar:

NM_001142459.2(ASB10):c.547C>T (p.Arg183Cys)

Gene: ASB10 (ankyrin repeat and SOCS box containing 10; minus strand). Cytogenetic location: 7q36.1.
Variant type: single nucleotide variant.
Coding change: c.547C>T on transcript NM_001142459.2 (MANE Select); coding-DNA position 547, C replaced by T.
Protein change: p.Arg183Cys; replaces arginine 183 with cysteine.
Molecular consequence: missense variant.
Genome position (GRCh38, 1-based): chr7:151,186,429, G>A on the plus strand (C>T on the coding strand, the complement: ASB10 is on the minus strand). VCF-style: chr7-151186429-G-A. GRCh37 (hg19) VCF-style: chr7-150883516-G-A.
Other names: c.547C>T, p.Arg183Cys (NM_001142460.1); c.502C>T, p.Arg168Cys (NM_080871.4); short protein forms R168C, R183C.
Identifiers: ClinVar variation 99983 (VCV000099983.1), dbSNP rs151344605, ClinGen allele CA150543.

ClinVar aggregate classification (germline): not provided (0 of 4 stars; one submission).

Conditions:
Glaucoma 1, open angle, F (GLC1F). Identifiers: MedGen C1863926, OMIM 603383, MONDO:0011311.

Allele frequency attached by ClinVar (database versions not stated): gnomAD 0.00001; TOPMed 0.00003 and 0.00006; ExAC 0.00005; gnomAD exomes 0.00001.
gnomAD v4.1: 27 of 1,588,234 alleles (0.0017%); highest among the groups gnomAD compares: South Asian, 0.0034%; no homozygotes.

Submission:

Casey Eye Institute Glaucoma Genetics Lab 
No classification provided. Condition: Glaucoma 1, open angle, F. Review status: no classification provided. Collection method: not provided. Allele origin: not provided.
Comment: test comment 2